The following is an entry in ClinVar:

ClinVar aggregate classification (germline): Likely benign. Review status: criteria provided, multiple submitters, no conflicts (2 of 4 stars). 3 submissions from 3 submitters: Likely benign (3). Last evaluated 2026-01-19.

Allele frequency attached by ClinVar (database versions not stated): gnomAD exomes 0.00001 and 0.00006; TOPMed 0.00004; gnomAD 0.00005; ExAC 0.00009.
gnomAD v4.1: 58 of 1,536,478 alleles (0.0038%); highest among the groups gnomAD compares: East Asian, 0.034%; no homozygotes.

Submissions (3):

Labcorp Genetics (formerly Invitae), Labcorp
Classification: Likely benign. Last evaluated: 2026-01-19. Review status: criteria provided, single submitter. Criteria: Invitae Variant Classification Sherloc (09022015). Collection method: clinical testing. Allele origin: germline.

Blueprint Genetics
Classification: Likely benign. Last evaluated: 2024-10-14. Review status: criteria provided, single submitter. Criteria: ACMG Guidelines, 2015. Collection method: clinical testing. Allele origin: germline.

GeneDx
Classification: Likely benign. Last evaluated: 2017-04-25. Review status: criteria provided, single submitter. Criteria: GeneDx Variant Classification (06012015). Collection method: clinical testing. Allele origin: germline. Affected: yes.
Comment: This variant is considered likely benign or benign based on one or more of the following criteria: it is a conservative change, it occurs at a poorly conserved position in the protein, it is predicted to be benign by multiple in silico algorithms, and/or has population frequency not consistent with disease.

NM_130837.3(OPA1):c.1870+17A>G

Genes: OPA1 (OPA1 mitochondrial dynamin like GTPase; plus strand), LOC126806913 (BRD4-independent group 4 enhancer GRCh37_chr3:193364377-193365576; plus strand). Cytogenetic location: 3q29.
Variant type: single nucleotide variant.
Coding change: c.1870+17A>G on transcript NM_130837.3 (MANE Select); 17 bases into the intron after coding-DNA position 1870, A replaced by G.
Molecular consequence: intron variant.
Genome position (GRCh38, 1-based): chr3:193,647,197, A>G. VCF-style: chr3-193647197-A-G. GRCh37 (hg19) VCF-style: chr3-193364986-A-G.
Other names: c.1333+17A>G (NM_001354664.2); c.1336+17A>G (NM_001354663.2); c.1759+17A>G (NM_130834.3); c.1816+17A>G (NM_130836.3); c.1705+17A>G (NM_015560.3); c.1762+17A>G (NM_130835.3); c.1651+17A>G (NM_130832.3); c.1708+17A>G (NM_130833.3); and 1 more.
Identifiers: ClinVar variation 508826 (VCV000508826.9), dbSNP rs749368763, ClinGen allele CA2759503.